The following is an entry in ClinVar:

ClinVar aggregate classification (germline): Uncertain significance. Review status: criteria provided, multiple submitters, no conflicts (2 of 4 stars). 4 submissions from 4 submitters: Uncertain significance (4). Last evaluated 2026-04-14.

Conditions:
Familial intrahepatic cholestasis. Identifiers: Orphanet 284385, MedGen CN296401, MONDO:0017290.
Progressive familial intrahepatic cholestasis type 2. Identifiers: Orphanet 79304, MedGen C3489789, MONDO:0011156, OMIM 601847.

Allele frequency attached by ClinVar (database versions not stated): gnomAD exomes below 0.00001; TOPMed below 0.00001.

Submissions (4):

Genomenon, Inc
Classification: Uncertain significance for Familial intrahepatic cholestasis. Last evaluated: 2026-04-14. Review status: criteria provided, single submitter. Criteria: Genomenon Sequence Variant Interpretation Standards - Updated. Collection method: curation. Allele origin: germline. Affected: yes.
Comment: ABCB11 p.Ile627Thr (c.1880T>C) is a missense variant that changes the amino acid at residue 627 from Isoleucine to Threonine. This variant has been observed in at least one proband with an ABCB11-related disorder (PMID:19101985;27050426). At least one splicing study demonstrated no effect on splicing (PMID:19101985). It is absent or not present at a significant frequency in gnomAD. In conclusion, we classify ABCB11 p.Ile627Thr (c.1880T>C) as a variant of uncertain significance.

Broad Center for Mendelian Genomics, Broad Institute of MIT and Harvard
Classification: Uncertain significance for Progressive familial intrahepatic cholestasis type 2. Last evaluated: 2025-01-24. Review status: criteria provided, single submitter. Criteria: ACMG Guidelines, 2015. Collection method: curation. Allele origin: germline. Inheritance: Autosomal recessive inheritance.
Comment: The p.Ile627Thr variant in ABCB11 has been reported in at least one individual with BSEP deficiency (PMID: 19101985, 27050426), and has been identified in 0.001% (1/74924) of African/African American chromosomes by the Genome Aggregation Database (gnomAD; dbSNP rs1558894309). Although this variant has been seen in the general population in a heterozygous state, its frequency is low enough to be consistent with a recessive carrier frequency. This variant has also been reported in ClinVar (Variation ID: 597272) and has been interpreted as a variant of uncertain significance by Eurofins Ntd Llc (ga). Computational prediction tools and conservation analyses do not provide strong support for or against an impact to the protein. In summary, the clinical significance of the p.Ile627Thr variant is uncertain. ACMG/AMP Criteria applied: PM2_supporting (Richards 2015).

Women's Health and Genetics/Laboratory Corporation of America, LabCorp
Classification: Uncertain significance. Last evaluated: 2024-07-02. Review status: criteria provided, single submitter. Criteria: LabCorp Variant Classification Summary - May 2015. Collection method: clinical testing. Allele origin: germline.
Comment: Variant summary: ABCB11 c.1880T>C (p.Ile627Thr) results in a non-conservative amino acid change located in the ABC transporter-like, ATP-binding domain (IPR003439) of the encoded protein sequence. Three of five in-silico tools predict a benign effect of the variant on protein function. The variant allele was found at a frequency of 4e-06 in 247840 control chromosomes (gnomAD). The available data on variant occurrences in the general population are insufficient to allow any conclusion about variant significance. c.1880T>C has been reported in the literature in individuals affected with clinical features of familial intrahepatic cholestasis (Byrne_2009, Li Wang_2016). These report(s) do not provide unequivocal conclusions about association of the variant with Familial Intrahepatic Cholestasis. To our knowledge, no experimental evidence demonstrating an impact on protein function has been reported. The following publications have been ascertained in the context of this evaluation (PMID: 19101985, 27050426). ClinVar contains an entry for this variant (Variation ID: 597272). Based on the evidence outlined above, the variant was classified as uncertain significance.

Eurofins Ntd Llc (ga)
Classification: Uncertain significance. Last evaluated: 2018-05-22. Review status: criteria provided, single submitter. Criteria: EGL ClinVar v180209 classification definitions. Collection method: clinical testing. Allele origin: germline. Observed: 1 variant allele, 1 heterozygote.

Literature cited by the submitters: PubMed 19101985 (cited by Genomenon, Inc and Women's Health and Genetics/Laboratory Corporation of America, LabCorp); PubMed 27050426 (cited by Genomenon, Inc and Women's Health and Genetics/Laboratory Corporation of America, LabCorp).

NM_003742.4(ABCB11):c.1880T>C (p.Ile627Thr)

Gene: ABCB11 (ATP binding cassette subfamily B member 11; minus strand). Cytogenetic location: 2q31.1.
Variant type: single nucleotide variant.
Coding change: c.1880T>C on transcript NM_003742.4 (MANE Select); coding-DNA position 1880, T replaced by C.
Protein change: p.Ile627Thr; replaces isoleucine 627 with threonine.
Molecular consequence: missense variant.
Genome position (GRCh38, 1-based): chr2:168,969,481, A>G on the plus strand (T>C on the coding strand, the complement: ABCB11 is on the minus strand). VCF-style: chr2-168969481-A-G. GRCh37 (hg19) VCF-style: chr2-169825991-A-G.
Other names: NM_003742.4(ABCB11):c.1880T>C; p.Ile627Thr; c.1880T>C, p.Ile627Thr (LRG_1199t1); short protein forms I627T.
Identifiers: ClinVar variation 597272 (VCV000597272.7), dbSNP rs1558894309, ClinGen allele CA349112408.